The following is an entry in ClinVar:

NM_005655.4(KLF10):c.884C>A (p.Pro295His)

Gene: KLF10 (KLF transcription factor 10; minus strand). Cytogenetic location: 8q22.3.
Variant type: single nucleotide variant.
Coding change: c.884C>A on transcript NM_005655.4 (MANE Select); coding-DNA position 884, C replaced by A.
Protein change: p.Pro295His; replaces proline 295 with histidine.
Molecular consequence: missense variant.
Genome position (GRCh38, 1-based): chr8:102,651,448, G>T on the plus strand (C>A on the coding strand, the complement: KLF10 is on the minus strand). VCF-style: chr8-102651448-G-T. GRCh37 (hg19) VCF-style: chr8-103663676-G-T.
Other names: c.851C>A, p.Pro284His (NM_001032282.4); short protein forms P295H, P284H.
Identifiers: ClinVar variation 1374619 (VCV001374619.8), dbSNP rs1827207489, ClinGen allele CA371626391.
Genomic context (GRCh38, chr8:102,651,448, plus strand): 5'-CCTTTGGGGACTTGTGTGCCCATGAACACAACAGGGGGGCAAACGGCTGGTGGCTGGCTG[G>T]GAGGAGTGCTGGGAACGACTGTTGTCACAACAGGGTTGTTGGCAGGAAGGGGAACCATCT-3'
Protein context (NP_005646.1, residues 285-305): VVTTVVPSTP[Pro295His]SQPPAVCPPV

ClinVar aggregate classification (germline): Uncertain significance (1 of 4 stars; one submission).

Allele frequency attached by ClinVar (database versions not stated): TOPMed below 0.00001.
gnomAD v4.1: 1 of 1,613,976 alleles (0.000062%); highest among the groups gnomAD compares: African/African-American, 0.0013%; no homozygotes.

Submission:

Labcorp Genetics (formerly Invitae), Labcorp
Classification: Uncertain significance. Last evaluated: 2021-03-07. Review status: criteria provided, single submitter. Criteria: Invitae Variant Classification Sherloc (09022015). Collection method: clinical testing. Allele origin: germline.
Comment: This sequence change replaces proline with histidine at codon 295 of the KLF10 protein (p.Pro295His). The proline residue is highly conserved and there is a moderate physicochemical difference between proline and histidine. This variant is not present in population databases (ExAC no frequency). This variant has not been reported in the literature in individuals with KLF10-related conditions. Algorithms developed to predict the effect of missense changes on protein structure and function (SIFT, PolyPhen-2, Align-GVGD) all suggest that this variant is likely to be disruptive, but these predictions have not been confirmed by published functional studies and their clinical significance is uncertain. In summary, the available evidence is currently insufficient to determine the role of this variant in disease. Therefore, it has been classified as a Variant of Uncertain Significance.